The following is an entry in ClinVar:

NM_203447.4(DOCK8):c.6260G>A (p.Ser2087Asn)

Gene: DOCK8 (dedicator of cytokinesis 8; plus strand). Cytogenetic location: 9p24.3.
Variant type: single nucleotide variant.
Coding change: c.6260G>A on transcript NM_203447.4 (MANE Select); coding-DNA position 6260, G replaced by A.
Protein change: p.Ser2087Asn; replaces serine 2087 with asparagine.
Molecular consequence: missense variant.
Genome position (GRCh38, 1-based): chr9:464,179, G>A. VCF-style: chr9-464179-G-A. GRCh37 (hg19) VCF-style: chr9-464179-G-A.
Other names: c.5960G>A, p.Ser1987Asn (NM_001190458.2); c.6056G>A, p.Ser2019Asn (NM_001193536.2); short protein forms S1987N, S2019N, S2087N.
Identifiers: ClinVar variation 996938 (VCV000996938.5), dbSNP rs2057902138, ClinGen allele CA372751946.

ClinVar aggregate classification (germline): Uncertain significance. Review status: criteria provided, multiple submitters, no conflicts (2 of 4 stars). 2 submissions from 2 submitters: Uncertain significance (2). Last evaluated 2024-11-11.

Conditions:
Combined immunodeficiency due to DOCK8 deficiency (HIES2). Also called: DOCK8 Deficiency; HYPER-IgE RECURRENT INFECTION SYNDROME 2, AUTOSOMAL RECESSIVE; Hyper-IgE recurrent infection syndrome, autosomal recessive; HIES autosomal recessive; HYPER-IgE SYNDROME 2, AUTOSOMAL RECESSIVE, WITH RECURRENT INFECTIONS. Identifiers: Orphanet 217390, MedGen C4722305, MONDO:0009478, OMIM 243700.
Intellectual developmental disorder, autosomal dominant 2. Also called: Intellectual disability, autosomal dominant 2. Identifiers: MedGen C3279842, MONDO:0013581, OMIM 614113.

Allele frequency attached by ClinVar (database versions not stated): gnomAD exomes below 0.00001; gnomAD 0.00001.
gnomAD v4.1: 2 of 1,613,816 alleles (0.00012%); highest among the groups gnomAD compares: Admixed American, 0.0017%; no homozygotes.

Submissions (2):

Labcorp Genetics (formerly Invitae), Labcorp
Classification: Uncertain significance for Combined immunodeficiency due to DOCK8 deficiency. Last evaluated: 2024-11-11. Review status: criteria provided, single submitter. Criteria: Invitae Variant Classification Sherloc (09022015). Collection method: clinical testing. Allele origin: germline.
Comment: This sequence change replaces serine, which is neutral and polar, with asparagine, which is neutral and polar, at codon 2087 of the DOCK8 protein (p.Ser2087Asn). This variant is not present in population databases (gnomAD no frequency). This variant has not been reported in the literature in individuals affected with DOCK8-related conditions. ClinVar contains an entry for this variant (Variation ID: 996938). Invitae Evidence Modeling of protein sequence and biophysical properties (such as structural, functional, and spatial information, amino acid conservation, physicochemical variation, residue mobility, and thermodynamic stability) indicates that this missense variant is not expected to disrupt DOCK8 protein function with a negative predictive value of 80%. In summary, the available evidence is currently insufficient to determine the role of this variant in disease. Therefore, it has been classified as a Variant of Uncertain Significance.

New York Genome Center
Classification: Uncertain significance for Intellectual developmental disorder, autosomal dominant 2. Last evaluated: 2020-05-14. Review status: criteria provided, single submitter. Criteria: NYGC Assertion Criteria 2020. Collection method: clinical testing. Allele origin: germline. Inheritance: Autosomal dominant inheritance. Observed: 1 heterozygote. Study: CSER-NYCKidSeq.